The following is an entry in ClinVar:

NM_000492.4(CFTR):c.1573C>T (p.Gln525Ter)

Genes: CFTR (CF transmembrane conductance regulator; plus strand), CFTR-AS1 (CFTR antisense RNA 1; minus strand). Cytogenetic location: 7q31.2.
Variant type: single nucleotide variant.
Coding change: c.1573C>T on transcript NM_000492.4 (MANE Select); coding-DNA position 1573, C replaced by T.
Protein change: p.Gln525Ter; replaces glutamine 525 with a stop codon.
Molecular consequence: nonsense.
Genome position (GRCh38, 1-based): chr7:117,559,644, C>T. VCF-style: chr7-117559644-C-T. GRCh37 (hg19) VCF-style: chr7-117199698-C-T.
Other names: short protein forms Q525*.
Identifiers: ClinVar variation 53282 (VCV000053282.11), dbSNP rs397508227, ClinGen allele CA326532.

ClinVar aggregate classification (germline): Pathogenic. Review status: reviewed by expert panel (3 of 4 stars). 6 submissions from 6 submitters: Pathogenic (1). 5 of the submissions do not count toward it. Last evaluated 2017-03-17.

Conditions:
CFTR-related disorder (CFTR-RD). Also called: CFTR-related condition; CFTR-related disorders. Identifiers: MedGen C5924204, MONDO:7770004.
Cystic fibrosis (CF). Also called: MUCOVISCIDOSIS. Identifiers: Orphanet 586, MedGen C0010674, MONDO:0009061, OMIM 219700. Disease mechanism: loss of function.

Allele frequency attached by ClinVar (database versions not stated): gnomAD exomes below 0.00001.
gnomAD v4.1: 2 of 1,611,738 alleles (0.00012%); highest among the groups gnomAD compares: Non-Finnish European, 0.000085%; no homozygotes.

Submissions (6):

CFTR2
Classification: Pathogenic for Cystic fibrosis. Last evaluated: 2017-03-17. Review status: reviewed by expert panel. Criteria: Sosnay PR et al. (Nat Genet 2013). Collection method: research. Allele origin: germline. Affected: yes. Study: CFTR2.

Women's Health and Genetics/Laboratory Corporation of America, LabCorp
Classification: Pathogenic for Cystic fibrosis. Last evaluated: 2023-01-12. Review status: criteria provided, single submitter. Criteria: LabCorp Variant Classification Summary - May 2015. Collection method: clinical testing. Allele origin: germline. Not counted in ClinVar's aggregate classification.
Comment: Variant summary: CFTR c.1573C>T (p.Gln525X) results in a premature termination codon, predicted to cause a truncation of the encoded protein or absence of the protein due to nonsense mediated decay, which are commonly known mechanisms for disease. Truncations downstream of this position have been classified as pathogenic by our laboratory. The variant was absent in 250906 control chromosomes (gnomAD). c.1573C>T has been reported in the literature in multiple individuals affected with Classic Cystic Fibrosis (examples: Shackleton_1994, Sosnay_2013, Barben_2012, Kraemer_2005). These data indicate that the variant is very likely to be associated with disease.hree submitters have submitted clinical-significance assessments for this variant to ClinVar after 2014 and all classified the variant as pathogenic. Based on the evidence outlined above, the variant was classified as pathogenic.

CFTR-France
Classification: Pathogenic for Cystic fibrosis. Last evaluated: 2022-07-01. Review status: criteria provided, single submitter. Criteria: Claustres M et al. (Hum Mutat 2017). Collection method: curation. Allele origin: germline. Affected: yes. Not counted in ClinVar's aggregate classification.

Labcorp Genetics (formerly Invitae), Labcorp
Classification: Pathogenic for Cystic fibrosis. Last evaluated: 2022-05-20. Review status: criteria provided, single submitter. Criteria: Invitae Variant Classification Sherloc (09022015). Collection method: clinical testing. Allele origin: germline. Not counted in ClinVar's aggregate classification.
Comment: For these reasons, this variant has been classified as Pathogenic. ClinVar contains an entry for this variant (Variation ID: 53282). This premature translational stop signal has been observed in individual(s) with cystic fibrosis (PMID: 7515303, 23974870). This variant is not present in population databases (gnomAD no frequency). This sequence change creates a premature translational stop signal (p.Gln525*) in the CFTR gene. It is expected to result in an absent or disrupted protein product. Loss-of-function variants in CFTR are known to be pathogenic (PMID: 1695717, 7691345, 9725922).

Ambry Genetics
Classification: Pathogenic for Cystic fibrosis. Last evaluated: 2014-06-24. Review status: criteria provided, single submitter. Criteria: Ambry Variant Classification Scheme 2023. Collection method: clinical testing. Allele origin: germline. Not counted in ClinVar's aggregate classification.
Comment: The p.Q525* pathogenic mutation (also known as c.1573C>T and Q525X) located in coding exon 11 of the CFTR gene, results from a C to T substitution at nucleotide position 1573. This changes the amino acid from a glutamine to a stop codon within coding exon 11. This pathogenic mutation was first identified in an individual with symptomes of classic cystic fibrosis who also carried the deltaF508 pathogenic mutation (Shackleton S et al. Hum. Mutat. 1994;3(2):141-51). This mutation typically causes pancreatic insufficiency when combined with another mutation that causes pancreatic insufficiency (The Clinical and Functional Translation of CFTR (CFTR2); available at CFTR2. Accessed June 24, 2014). In addition, since premature stop codons are typically deleterious in nature, this alteration is interpreted as a disease-causing mutation (ACMG Recommendations for Standards for Interpretation and Reporting of Sequence Variations. Revision 2007. Genet Med. 2008;10:294).

Natera, Inc.
Classification: Pathogenic for CFTR-related disorders. Last evaluated: 2017-03-17. Review status: no assertion criteria provided. Collection method: clinical testing. Allele origin: germline. Not counted in ClinVar's aggregate classification.

Literature cited by the submitters: PubMed 7515303 (cited by 3 submitters); PubMed 17137500 (cited by Women's Health and Genetics/Laboratory Corporation of America, LabCorp); PubMed 22300503 (cited by Women's Health and Genetics/Laboratory Corporation of America, LabCorp); PubMed 10439967 (cited by Women's Health and Genetics/Laboratory Corporation of America, LabCorp); PubMed 8680406 (cited by Women's Health and Genetics/Laboratory Corporation of America, LabCorp); PubMed 23974870 (cited by Women's Health and Genetics/Laboratory Corporation of America, LabCorp and Labcorp Genetics (formerly Invitae), Labcorp); PubMed 15531750 (cited by Women's Health and Genetics/Laboratory Corporation of America, LabCorp); PubMed 1695717 (cited by Labcorp Genetics (formerly Invitae), Labcorp); PubMed 7691345 (cited by Labcorp Genetics (formerly Invitae), Labcorp); PubMed 9725922 (cited by Labcorp Genetics (formerly Invitae), Labcorp).